The following is an entry in ClinVar:

ClinVar aggregate classification (germline): Uncertain significance (1 of 4 stars; one submission).

Conditions:
Hereditary cancer-predisposing syndrome. Also called: Neoplastic Syndromes, Hereditary; Tumor predisposition; Hereditary neoplastic syndrome; Hereditary Cancer Syndrome. Identifiers: Orphanet 140162, MedGen C0027672, MeSH D009386, MONDO:0015356.

Submission:

Ambry Genetics
Classification: Uncertain significance for Hereditary cancer-predisposing syndrome. Last evaluated: 2026-07-06. Review status: criteria provided, single submitter. Criteria: Ambry Variant Classification Scheme 2023. Collection method: clinical testing. Allele origin: germline.
Comment: The p.H45Y variant (also known as c.133C>T), located in coding exon 2 of the CDH1 gene, results from a C to T substitution at nucleotide position 133. The histidine at codon 45 is replaced by tyrosine, an amino acid with similar properties. This amino acid position is conserved. In addition, this alteration is predicted to be tolerated by in silico analysis. Based on the available evidence, the clinical significance of this variant remains unclear.

NM_004360.5(CDH1):c.133C>T (p.His45Tyr)

Gene: CDH1 (cadherin 1; plus strand). Cytogenetic location: 16q22.1.
Variant type: single nucleotide variant.
Coding change: c.133C>T on transcript NM_004360.5 (MANE Select); coding-DNA position 133, C replaced by T.
Protein change: p.His45Tyr; replaces histidine 45 with tyrosine.
Molecular consequence: missense variant. On other transcripts: 5 prime UTR variant (2).
Genome position (GRCh38, 1-based): chr16:68,738,381, C>T. VCF-style: chr16-68738381-C-T. GRCh37 (hg19) VCF-style: chr16-68772284-C-T.
Other names: c.133C>T, p.His45Tyr (NM_001317184.2); c.-1483C>T (NM_001317185.2); c.-1687C>T (NM_001317186.2); short protein forms H45Y.
Identifiers: ClinVar variation 5033939 (VCV005033939.1).